The following is an entry in ClinVar:

ClinVar aggregate classification (germline): Uncertain significance (1 of 4 stars; one submission).

Conditions:
Hereditary cancer-predisposing syndrome. Also called: Neoplastic Syndromes, Hereditary; Tumor predisposition; Hereditary Cancer Syndrome; Hereditary neoplastic syndrome. Identifiers: Orphanet 140162, MedGen C0027672, MeSH D009386, MONDO:0015356.

Submission:

Ambry Genetics
Classification: Uncertain significance for Hereditary cancer-predisposing syndrome. Last evaluated: 2025-12-12. Review status: criteria provided, single submitter. Criteria: Ambry Variant Classification Scheme 2023. Collection method: clinical testing. Allele origin: germline.
Comment: The p.G2187V variant (also known as c.6560G>T), located in coding exon 15 of the APC gene, results from a G to T substitution at nucleotide position 6560. The glycine at codon 2187 is replaced by valine, an amino acid with dissimilar properties. Missense variants in APC are not a common cause of disease (Spier I et al. Genet Med. 2024 Feb;26(2):100992).This amino acid position is well conserved in available vertebrate species. In addition, in silico predictors for this gene do not accurately predict pathogenicity. Based on the available evidence, the clinical significance of this variant remains unclear.

NM_000038.6(APC):c.6560G>T (p.Gly2187Val)

Gene: APC (APC regulator of Wnt signaling pathway; plus strand). Cytogenetic location: 5q22.2.
Variant type: single nucleotide variant.
Coding change: c.6560G>T on transcript NM_000038.6 (MANE Select); coding-DNA position 6560, G replaced by T.
Protein change: p.Gly2187Val; replaces glycine 2187 with valine.
Molecular consequence: missense variant.
Genome position (GRCh38, 1-based): chr5:112,842,154, G>T. VCF-style: chr5-112842154-G-T. GRCh37 (hg19) VCF-style: chr5-112177851-G-T.
Other names: c.6560G>T, p.Gly2187Val (NM_001127510.3, NM_001354895.2); c.6506G>T, p.Gly2169Val (NM_001127511.3); c.6614G>T, p.Gly2205Val (NM_001354896.2); c.6590G>T, p.Gly2197Val (NM_001354897.2); c.6485G>T, p.Gly2162Val (NM_001354898.2); c.6476G>T, p.Gly2159Val (NM_001354899.2); c.6437G>T, p.Gly2146Val (NM_001354900.2); c.6383G>T, p.Gly2128Val (NM_001354901.2); and 5 more; short protein forms G2169V, G2187V, G2086V, G2159V, G2205V, G2061V, G2146V, G2197V.
Identifiers: ClinVar variation 187662 (VCV000187662.6), dbSNP rs146695342, ClinGen allele CA012287.
Genomic context (GRCh38, chr5:112,842,154, plus strand): 5'-TTCTAAAACCAGGGGAGAAAAGTACATTGGAAACTAAAAAGATAGAATCTGAAAGTAAAG[G>T]AATCAAAGGAGGAAAAAAAGTTTATAAAAGTTTGATTACTGGAAAAGTTCGATCTAATTC-3'
Protein context (NP_000029.2, residues 2177-2197): ETKKIESESK[Gly2187Val]IKGGKKVYKS